The following is an entry in ClinVar:

ClinVar aggregate classification (germline): Pathogenic (1 of 4 stars; one submission).

Conditions:
Joubert syndrome. Also called: CEREBELLOPARENCHYMAL DISORDER IV; JOUBERT-BOLTSHAUSER SYNDROME; Familial aplasia of the vermis. Identifiers: Orphanet 475, MedGen C5979921, MONDO:0018772.
Nephronophthisis. Also called: Juvenile Nephronophthisis. Identifiers: Orphanet 655, MedGen C0687120, MONDO:0019005, HP:0000090.
Meckel-Gruber syndrome. Also called: DYSENCEPHALIA SPLANCHNOCYSTICA; GRUBER SYNDROME; Dysencephalia splachnocystica. Identifiers: Orphanet 564, MedGen C0265215, MONDO:0018921.

Submission:

Labcorp Genetics (formerly Invitae), Labcorp
Classification: Pathogenic for Joubert syndrome; Meckel-Gruber syndrome; Nephronophthisis. Last evaluated: 2023-07-07. Review status: criteria provided, single submitter. Criteria: Invitae Variant Classification Sherloc (09022015). Collection method: clinical testing. Allele origin: germline.
Comment: For these reasons, this variant has been classified as Pathogenic. This variant has not been reported in the literature in individuals affected with CEP290-related conditions. This variant is a gross deletion of the genomic region encompassing exon(s) 27-49 of the CEP290 gene. This deletion is out-of-frame, and is expected to create a premature termination codon and result in an absent or disrupted protein product. Loss-of-function variants in CEP290 are known to be pathogenic (PMID: 16909394, 17345604, 20690115).

Literature cited by the submitters: PubMed 16909394; PubMed 17345604; PubMed 20690115.

NC_000012.11:g.(?_88452605)_(88494960_?)del

Gene: CEP290 (centrosomal protein 290; minus strand). Cytogenetic location: 12q21.32.
Variant type: Deletion.
Identifiers: ClinVar variation 2426912 (VCV002426912.6).